The following is an entry in ClinVar:

ClinVar aggregate classification (germline): Uncertain significance (1 of 4 stars; one submission).

Conditions:
Hereditary cancer-predisposing syndrome. Also called: Hereditary neoplastic syndrome; Neoplastic Syndromes, Hereditary; Tumor predisposition; Hereditary Cancer Syndrome. Identifiers: Orphanet 140162, MedGen C0027672, MeSH D009386, MONDO:0015356.

Submission:

Ambry Genetics
Classification: Uncertain significance for Hereditary cancer-predisposing syndrome. Last evaluated: 2024-12-20. Review status: criteria provided, single submitter. Criteria: Ambry Variant Classification Scheme 2023. Collection method: clinical testing. Allele origin: germline.
Comment: The c.668-2delAinsTG intronic variant, located in intron 1 of the ALK gene, results from an in-frame from the deletion of one nucleotide and the insertion of two nucleotides at nucleotide position 668. This nucleotide position is well conserved in available vertebrate species. In silico splice site analysis predicts that this alteration will weaken the native splice acceptor site and may result in the creation or strengthening of a novel splice acceptor site. Alterations that disrupt the canonical splice site are expected to cause aberrant splicing, resulting in an abnormal protein or a transcript that is subject to nonsense-mediated mRNA decay. However, loss of function of ALK has not been established as a mechanism of disease. Based on the available evidence, the clinical significance of this variant remains unclear.

NM_004304.5(ALK):c.668-2delinsTG

Gene: ALK (ALK receptor tyrosine kinase; minus strand). Cytogenetic location: 2p23.2.
Variant type: Indel.
Coding change: c.668-2delinsTG on transcript NM_004304.5 (MANE Select); the canonical splice acceptor site of the intron before coding-DNA position 668, A replaced by TG.
Molecular consequence: splice acceptor variant.
Genome position (GRCh38, 1-based): chr2:29,717,699, T replaced by CA on the plus strand (A replaced by TG on the coding strand, the reverse complement: ALK is on the minus strand). VCF-style: chr2-29717699-T-CA. GRCh37 (hg19) VCF-style: chr2-29940565-T-CA.
Identifiers: ClinVar variation 3854901 (VCV003854901.1).